The following is an entry in ClinVar:

ClinVar aggregate classification (germline): Uncertain significance (1 of 4 stars; one submission).

Conditions:
Neuromuscular disease caused by qualitative or quantitative defects of dysferlin. Also called: Dysferlinopathy; Qualitative or quantitative defects of dysferlin. Identifiers: Orphanet 207073, MedGen C2931687, MONDO:0016145.

Submission:

Labcorp Genetics (formerly Invitae), Labcorp
Classification: Uncertain significance for Neuromuscular disease caused by qualitative or quantitative defects of dysferlin. Last evaluated: 2025-10-02. Review status: criteria provided, single submitter. Criteria: Invitae Variant Classification Sherloc (09022015). Collection method: clinical testing. Allele origin: germline.
Comment: This sequence change replaces histidine, which is basic and polar, with arginine, which is basic and polar, at codon 1764 of the DYSF protein (p.His1764Arg). This variant is not present in population databases (gnomAD no frequency). This variant has not been reported in the literature in individuals affected with DYSF-related conditions. ClinVar contains an entry for this variant (Variation ID: 581629). Invitae Evidence Modeling of protein sequence and biophysical properties (such as structural, functional, and spatial information, amino acid conservation, physicochemical variation, residue mobility, and thermodynamic stability) indicates that this missense variant is expected to disrupt DYSF protein function with a positive predictive value of 95%. In summary, the available evidence is currently insufficient to determine the role of this variant in disease. Therefore, it has been classified as a Variant of Uncertain Significance.

NM_001130987.2(DYSF):c.5408A>G (p.His1803Arg)

Gene: DYSF (dysferlin; plus strand). Cytogenetic location: 2p13.2.
Variant type: single nucleotide variant.
Coding change: c.5408A>G on transcript NM_001130987.2 (MANE Select); coding-DNA position 5408, A replaced by G.
Protein change: p.His1803Arg; replaces histidine 1803 with arginine.
Molecular consequence: missense variant.
Genome position (GRCh38, 1-based): chr2:71,667,466, A>G. VCF-style: chr2-71667466-A-G. GRCh37 (hg19) VCF-style: chr2-71894596-A-G.
Other names: c.5294A>G, p.His1765Arg (NM_001130455.2); c.5249A>G, p.His1750Arg (NM_001130976.2); c.5312A>G, p.His1771Arg (NM_001130977.2); c.5354A>G, p.His1785Arg (NM_001130978.2); c.5384A>G, p.His1795Arg (NM_001130979.2); c.5342A>G, p.His1781Arg (NM_001130980.2); c.5405A>G, p.His1802Arg (NM_001130981.2); c.5387A>G, p.His1796Arg (NM_001130982.2); and 5 more; short protein forms H1764R, H1803R, H1772R, H1781R, H1796R, H1750R, H1765R, H1771R.
Identifiers: ClinVar variation 581629 (VCV000581629.9), dbSNP rs1558778744, ClinGen allele CA347221390.